The following is an entry in ClinVar:

ClinVar aggregate classification (germline): Likely pathogenic (1 of 4 stars; one submission).

Conditions:
Thyroid dyshormonogenesis 1. Also called: Familial thyroid dyshormonogenesis 1; HYPOTHYROIDISM, CONGENITAL, DUE TO DYSHORMONOGENESIS, 1; IODINE ACCUMULATION, TRANSPORT, OR TRAPPING DEFECT; THYROID HORMONOGENESIS, GENETIC DEFECT IN, 1. Identifiers: Orphanet 95716, MedGen C1848805, MONDO:0020716, OMIM 274400.

Submission:

First Genomix Gene Laboratory, Genetic Diagnostics Department
Classification: Likely pathogenic for Thyroid dyshormonogenesis 1. Last evaluated: 2025-05-07. Review status: criteria provided, single submitter. Criteria: ACMG Guidelines, 2015. Collection method: clinical testing. Allele origin: germline. Inheritance: Autosomal recessive inheritance. Affected: no. Observed: 1 variant allele.

NM_000453.3(SLC5A5):c.1651+2T>A

Gene: SLC5A5 (solute carrier family 5 member 5; plus strand). Cytogenetic location: 19p13.11.
Variant type: single nucleotide variant.
Coding change: c.1651+2T>A on transcript NM_000453.3 (MANE Select); the canonical splice donor site of the intron after coding-DNA position 1651, T replaced by A.
Molecular consequence: splice donor variant.
Genome position (GRCh38, 1-based): chr19:17,888,457, T>A. VCF-style: chr19-17888457-T-A. GRCh37 (hg19) VCF-style: chr19-17999266-T-A.
Other names: c.1384+2T>A (NM_001440707.1).
Identifiers: ClinVar variation 4845885 (VCV004845885.1).